The following is an entry in ClinVar:

ClinVar aggregate classification (germline): Uncertain significance (1 of 4 stars; one submission).

Conditions:
RYR1-related disorder. Also called: RYR1-related condition; RYR1-related disorders. Identifiers: MedGen CN239331.

Submission:

Labcorp Genetics (formerly Invitae), Labcorp
Classification: Uncertain significance for RYR1-related disorder. Last evaluated: 2022-11-22. Review status: criteria provided, single submitter. Criteria: Invitae Variant Classification Sherloc (09022015). Collection method: clinical testing. Allele origin: germline.
Comment: This sequence change replaces tryptophan, which is neutral and slightly polar, with arginine, which is basic and polar, at codon 4795 of the RYR1 protein (p.Trp4795Arg). This variant is not present in population databases (gnomAD no frequency). In summary, the available evidence is currently insufficient to determine the role of this variant in disease. Therefore, it has been classified as a Variant of Uncertain Significance. Advanced modeling of protein sequence and biophysical properties (such as structural, functional, and spatial information, amino acid conservation, physicochemical variation, residue mobility, and thermodynamic stability) performed at Invitae indicates that this missense variant is expected to disrupt RYR1 protein function. This variant has not been reported in the literature in individuals affected with RYR1-related conditions.

NM_000540.3(RYR1):c.14383T>C (p.Trp4795Arg)

Gene: RYR1 (ryanodine receptor 1; plus strand). Cytogenetic location: 19q13.2.
Variant type: single nucleotide variant.
Coding change: c.14383T>C on transcript NM_000540.3 (MANE Select); coding-DNA position 14383, T replaced by C.
Protein change: p.Trp4795Arg; replaces tryptophan 4795 with arginine.
Molecular consequence: missense variant.
Genome position (GRCh38, 1-based): chr19:38,580,000, T>C. VCF-style: chr19-38580000-T-C. GRCh37 (hg19) VCF-style: chr19-39070640-T-C.
Other names: c.14368T>C, p.Trp4790Arg (NM_001042723.2); short protein forms W4790R, W4795R.
Identifiers: ClinVar variation 1717738 (VCV001717738.5), dbSNP rs2514748379, ClinGen allele CA405686859.
Genomic context (GRCh38, chr19:38,580,000, plus strand): 5'-GTCCCTGCCTTCCCCCTGACCCCTGGCCCTGTGTGCCCACAGTCCTTCCTGTACCTGGGC[T>C]GGTATATGGTGATGTCCCTCTTGGGACACTACAACAACTTCTTCTTTGCTGCCCATCTCC-3'
Protein context (NP_000531.2, residues 4785-4805): FTDNSFLYLG[Trp4795Arg]YMVMSLLGHY